The following is an entry in ClinVar:

ClinVar aggregate classification (germline): Uncertain significance (1 of 4 stars; one submission).

Conditions:
Inborn genetic diseases. Identifiers: MedGen C0950123, MeSH D030342.

Submission:

Ambry Genetics
Classification: Uncertain significance for Inborn genetic diseases. Last evaluated: 2025-12-10. Review status: criteria provided, single submitter. Criteria: Ambry Variant Classification Scheme 2023. Collection method: clinical testing. Allele origin: germline.
Comment: The p.V219A variant (also known as c.656T>C), located in coding exon 1 of the SAMD9 gene, results from a T to C substitution at nucleotide position 656. The valine at codon 219 is replaced by alanine, an amino acid with similar properties. This amino acid position is conserved. In addition, this alteration is predicted to be tolerated by in silico analysis. Based on the available evidence, the clinical significance of this variant remains unclear.

NM_017654.4(SAMD9):c.656T>C (p.Val219Ala)

Gene: SAMD9 (sterile alpha motif domain containing 9; minus strand). Cytogenetic location: 7q21.2.
Variant type: single nucleotide variant.
Coding change: c.656T>C on transcript NM_017654.4 (MANE Select); coding-DNA position 656, T replaced by C.
Protein change: p.Val219Ala; replaces valine 219 with alanine.
Molecular consequence: missense variant.
Genome position (GRCh38, 1-based): chr7:93,105,442, A>G on the plus strand (T>C on the coding strand, the complement: SAMD9 is on the minus strand). VCF-style: chr7-93105442-A-G. GRCh37 (hg19) VCF-style: chr7-92734755-A-G.
Other names: c.656T>C, p.Val219Ala (NM_001193307.2); short protein forms V219A.
Identifiers: ClinVar variation 4629990 (VCV004629990.1).